The following is an entry in ClinVar:

ClinVar aggregate classification (germline): Pathogenic/Likely pathogenic. Review status: criteria provided, multiple submitters, no conflicts (2 of 4 stars). 11 submissions from 10 submitters: Pathogenic (6); Likely pathogenic (4). 1 of the submissions does not count toward it. Last evaluated 2025-11-04.

Conditions:
ADAMTSL4-related disorder. Also called: ADAMTSL4-related condition; ADAMTSL4-Related Disorders.
Ectopia lentis 2, isolated, autosomal recessive (ECTOL2). Identifiers: Orphanet 1885, MedGen C3541474, MONDO:0009152, OMIM 225100.
Ectopia lentis et pupillae. Also called: ECTOPIA LENTIS WITH ECTOPIA OF PUPIL. Identifiers: Orphanet 1885, MedGen C1644196, MONDO:0009153, OMIM 225200.

Allele frequency attached by ClinVar (database versions not stated): gnomAD 0.00007; ExAC 0.00008; TOPMed 0.00010; gnomAD exomes 0.00011 and 0.00012.
gnomAD v4.1: 188 of 1,611,040 alleles (0.012%); highest among the groups gnomAD compares: Admixed American, 0.032%; no homozygotes.

Submissions (11):

Labcorp Genetics (formerly Invitae), Labcorp
Classification: Pathogenic. Last evaluated: 2025-11-04. Review status: criteria provided, single submitter. Criteria: Invitae Variant Classification Sherloc (09022015). Collection method: clinical testing. Allele origin: germline.
Comment: This sequence change replaces arginine, which is basic and polar, with histidine, which is basic and polar, at codon 865 of the ADAMTSL4 protein (p.Arg865His). This variant is present in population databases (rs781691587, gnomAD 0.04%). This missense change has been observed in individual(s) with ectopia lentis (PMID: 24802351, 26653794). In at least one individual the data is consistent with being in trans (on the opposite chromosome) from a pathogenic variant. It is commonly reported in individuals of Bukharian Jewish ancestry (PMID: 26653794). This variant is also known as c.2663G>A; p.888R>H. ClinVar contains an entry for this variant (Variation ID: 381746). Invitae Evidence Modeling of protein sequence and biophysical properties (such as structural, functional, and spatial information, amino acid conservation, physicochemical variation, residue mobility, and thermodynamic stability) has been performed for this missense variant. However, the output from this modeling did not meet the statistical confidence thresholds required to predict the impact of this variant on ADAMTSL4 protein function. For these reasons, this variant has been classified as Pathogenic.

3billion
Classification: Likely pathogenic for Ectopia lentis 2, isolated, autosomal recessive. Last evaluated: 2025-10-02. Review status: criteria provided, single submitter. Criteria: ACMG Guidelines, 2015. Collection method: clinical testing. Allele origin: germline. Affected: yes.
Comment: The variant is observed at an extremely low frequency in the gnomAD v4.1.0 dataset (total allele frequency: 0.012%). Predicted Consequence/Location: Missense variant. The majority of the known disease-causing variants of this gene are variants expected to result in premature termination of the protein. In silico tool predictions suggest damaging effect of the variant on gene or gene product [REVEL: 0.92 (>=0.6, sensitivity 0.68 and specificity 0.92)]. The same nucleotide change resulting in the same amino acid change has been previously reported as pathogenic/likely pathogenic with strong evidence (ClinVar ID: VCV000381746 /PMID: 24802351). Therefore, this variant is classified as Likely pathogenic according to the recommendation of ACMG/AMP guideline.

GeneDx
Classification: Pathogenic. Last evaluated: 2025-03-24. Review status: criteria provided, single submitter. Criteria: GeneDx Variant Classification Process June 2021. Collection method: clinical testing. Allele origin: germline. Affected: yes.
Comment: In silico analysis supports that this missense variant has a deleterious effect on protein structure/function; This variant is associated with the following publications: (PMID: 36284667, 25975359, 28642162, 31589614, 36208099, 37337769, 34818515, 39278391, 38146062, 36729443, 24802351, 26653794)

MVZ Medizinische Genetik Mainz
Classification: Pathogenic for Ectopia lentis et pupillae. Last evaluated: 2024-07-11. Review status: criteria provided, single submitter. Criteria: UK Practice Guidelines For Variant Classification V4 01 2020. Collection method: clinical testing. Allele origin: germline. Inheritance: Autosomal recessive inheritance. Affected: yes. Observed: 1 variant allele.
Comment: ACMG Criteria: PM3_VSTR,PP3_MOD,PM2_SUP

Genomic Medicine Center of Excellence, King Faisal Specialist Hospital and Research Centre
Classification: Pathogenic for Ectopia lentis 2, isolated, autosomal recessive. Last evaluated: 2024-03-14. Review status: criteria provided, single submitter. Criteria: ACMG Guidelines, 2015. Collection method: research. Allele origin: germline.

Blueprint Genetics
Classification: Pathogenic for ADAMTSL4-related disorders. Last evaluated: 2023-12-22. Review status: criteria provided, single submitter. Criteria: ACMG Guidelines, 2015. Collection method: clinical testing. Allele origin: germline. Affected: yes. Observed: 5 variant alleles.

Genome-Nilou Lab
Classification: Likely pathogenic for Ectopia lentis et pupillae. Last evaluated: 2023-04-11. Review status: criteria provided, single submitter. Criteria: ACMG Guidelines, 2015. Collection method: clinical testing. Allele origin: germline. Affected: no.

Genome-Nilou Lab
Classification: Likely pathogenic for Ectopia lentis 2, isolated, autosomal recessive. Last evaluated: 2023-04-11. Review status: criteria provided, single submitter. Criteria: ACMG Guidelines, 2015. Collection method: clinical testing. Allele origin: germline. Affected: no.

Fulgent Genetics
Classification: Likely pathogenic for Ectopia lentis 2, isolated, autosomal recessive; Ectopia lentis et pupillae. Last evaluated: 2021-12-23. Review status: criteria provided, single submitter. Criteria: ACMG Guidelines, 2015. Collection method: clinical testing. Allele origin: unknown.

Farhud Genetics Clinic, Farhud Genetics Lab
Classification: Pathogenic for Ectopia lentis 2, isolated, autosomal recessive. Review status: criteria provided, single submitter. Criteria: ACMG Guidelines, 2015. Collection method: clinical testing. Allele origin: germline. Inheritance: Autosomal recessive inheritance. Affected: yes. Observed: 1 homozygote.

GeneReviews
No classification provided. Condition: Ectopia lentis et pupillae. Review status: no classification provided. Collection method: literature only. Allele origin: germline. Not counted in ClinVar's aggregate classification.

Literature cited by the submitters: PubMed 24802351 (cited by Labcorp Genetics (formerly Invitae), Labcorp and 3billion); PubMed 26653794 (cited by Labcorp Genetics (formerly Invitae), Labcorp and GeneReviews).

NM_019032.6(ADAMTSL4):c.2594G>A (p.Arg865His)

Gene: ADAMTSL4 (ADAMTS like 4; plus strand). Cytogenetic location: 1q21.2.
Variant type: single nucleotide variant.
Coding change: c.2594G>A on transcript NM_019032.6 (MANE Select); coding-DNA position 2594, G replaced by A.
Protein change: p.Arg865His; replaces arginine 865 with histidine.
Molecular consequence: missense variant.
Genome position (GRCh38, 1-based): chr1:150,558,996, G>A. VCF-style: chr1-150558996-G-A. GRCh37 (hg19) VCF-style: chr1-150531472-G-A.
Other names: c.2663G>A, p.Arg888His (NM_001288608.2); c.2594G>A, p.Arg865His (NM_001378596.1); c.2477G>A, p.Arg826His (NM_001288607.2); short protein forms R865H, R826H, R888H.
Identifiers: ClinVar variation 381746 (VCV000381746.21), dbSNP rs781691587, ClinGen allele CA1078787.